The following is an entry in ClinVar:

ClinVar aggregate classification (germline): Likely benign. Review status: criteria provided, single submitter (1 of 4 stars). 2 submissions from 2 submitters: Likely benign (1). 1 of the submissions does not count toward it. Last evaluated 2023-11-14.

Conditions:
DLD-related disorder. Also called: DLD-related condition; DLD-related disorders.
Pyruvate dehydrogenase E3 deficiency (DLDD). Also called: DLD DEFICIENCY; E3 DEFICIENCY; Dihydrolipoamide Dehydrogenase E3 Deficiency; Dihydrolipoamide Dehydrogenase Deficiency; MAPLE SYRUP URINE DISEASE, TYPE III; Dihydrolipoamide Dehydrogenase (E3) Deficiency. Identifiers: Orphanet 2394, Orphanet 765, MedGen C5574660, MONDO:0009529, OMIM 246900.

Allele frequency attached by ClinVar (database versions not stated): TOPMed 0.00003; gnomAD 0.00004.

Submissions (2):

Labcorp Genetics (formerly Invitae), Labcorp
Classification: Likely benign for Pyruvate dehydrogenase E3 deficiency. Last evaluated: 2023-11-14. Review status: criteria provided, single submitter. Criteria: Invitae Variant Classification Sherloc (09022015). Collection method: clinical testing. Allele origin: germline.

PreventionGenetics, part of Exact Sciences
Classification: Likely benign for DLD-related condition. Last evaluated: 2021-03-09. Review status: no assertion criteria provided. Collection method: clinical testing. Allele origin: germline. Not counted in ClinVar's aggregate classification.
Comment: This variant is classified as likely benign based on ACMG/AMP sequence variant interpretation guidelines (Richards et al. 2015 PMID: 25741868, with internal and published modifications).

NM_000108.5(DLD):c.951C>G (p.Pro317=)

Gene: DLD (dihydrolipoamide dehydrogenase; plus strand). Cytogenetic location: 7q31.1.
Variant type: single nucleotide variant.
Coding change: c.951C>G on transcript NM_000108.5 (MANE Select); coding-DNA position 951, C replaced by G.
Protein change: p.Pro317=; no amino-acid change (proline 317 retained).
Molecular consequence: synonymous variant.
Genome position (GRCh38, 1-based): chr7:107,916,869, C>G. VCF-style: chr7-107916869-C-G. GRCh37 (hg19) VCF-style: chr7-107557314-C-G.
Other names: c.654C>G, p.Pro218= (NM_001289750.1); c.882C>G, p.Pro294= (NM_001289751.1); c.807C>G, p.Pro269= (NM_001289752.1).
Identifiers: ClinVar variation 716550 (VCV000716550.11), dbSNP rs778207997, ClinGen allele CA4434600.
Genomic context (GRCh38, chr7:107,916,869, plus strand): 5'-TGGTGGTAAAGCTGAAGTTATCACTTGTGATGTACTCTTGGTTTGCATTGGCCGACGACC[C>G]TTTACTAAGAATTTGGGACTAGAAGAGCTGGGAATTGAACTAGATCCCAGAGGTAGAATT-3'
Protein context (NP_000099.2, residues 307-327): DVLLVCIGRR[Pro317=]FTKNLGLEEL